The following is an entry in ClinVar:

NM_001368397.1(FRMPD4):c.278C>A (p.Ala93Glu)

Gene: FRMPD4 (FERM and PDZ domain containing 4; plus strand). Cytogenetic location: Xp22.2.
Variant type: single nucleotide variant.
Coding change: c.278C>A on transcript NM_001368397.1 (MANE Select); coding-DNA position 278, C replaced by A.
Protein change: p.Ala93Glu; replaces alanine 93 with glutamic acid.
Molecular consequence: missense variant.
Genome position (GRCh38, 1-based): chrX:12,609,840, C>A. VCF-style: chrX-12609840-C-A. GRCh37 (hg19) VCF-style: chrX-12627959-C-A.
Other names: c.389C>A, p.Ala130Glu (NM_001368395.3, NM_001368398.3); c.278C>A, p.Ala93Glu (NM_001368396.3, NM_014728.3); c.269C>A, p.Ala90Glu (NM_001368399.3); c.158C>A, p.Ala53Glu (NM_001368400.3); c.254C>A, p.Ala85Glu (NM_001368401.1, NM_001368402.3); short protein forms A130E, A53E, A85E, A90E, A93E.
Identifiers: ClinVar variation 1801960 (VCV001801960.1), dbSNP rs2519489937, ClinGen allele CA412068146.

ClinVar aggregate classification (germline): Uncertain significance (1 of 4 stars; one submission).

Submission:

GeneDx
Classification: Uncertain significance. Last evaluated: 2022-06-03. Review status: criteria provided, single submitter. Criteria: GeneDx Variant Classification Process June 2021. Collection method: clinical testing. Allele origin: germline. Affected: yes.
Comment: Not observed at significant frequency in large population cohorts (gnomAD); In silico analysis supports that this missense variant has a deleterious effect on protein structure/function; Has not been previously published as pathogenic or benign to our knowledge